The following is an entry in ClinVar:

NM_032043.3(BRIP1):c.3585G>A (p.Leu1195=)

Gene: BRIP1 (BRCA1 interacting DNA helicase 1; minus strand). Cytogenetic location: 17q23.2.
Variant type: single nucleotide variant.
Coding change: c.3585G>A on transcript NM_032043.3 (MANE Select); coding-DNA position 3585, G replaced by A.
Protein change: p.Leu1195=; no amino-acid change (leucine 1195 retained).
Molecular consequence: synonymous variant.
Genome position (GRCh38, 1-based): chr17:61,683,461, C>T on the plus strand (G>A on the coding strand, the complement: BRIP1 is on the minus strand). VCF-style: chr17-61683461-C-T. GRCh37 (hg19) VCF-style: chr17-59760822-C-T.
Identifiers: ClinVar variation 929544 (VCV000929544.14), dbSNP rs2061301182, ClinGen allele CA501335228.

ClinVar aggregate classification (germline): Benign/Likely benign. Review status: criteria provided, multiple submitters, no conflicts (2 of 4 stars). 5 submissions from 5 submitters: Benign (1); Likely benign (3). 1 of the submissions does not count toward it. Last evaluated 2025-02-17.

Conditions:
Fanconi anemia complementation group J. Also called: BRIP1-Related Fanconi Anemia. Identifiers: Orphanet 84, MedGen C1836860, MONDO:0012187, OMIM 609054.
Familial cancer of breast. Also called: BREAST CANCER, FAMILIAL; hereditary breast carcinoma; Hereditary breast cancer. Identifiers: Orphanet 227535, MedGen C0346153, MONDO:0016419, OMIM 114480. Disease mechanism: loss of function.
Hereditary cancer-predisposing syndrome. Also called: Tumor predisposition; Hereditary neoplastic syndrome; Neoplastic Syndromes, Hereditary; Hereditary Cancer Syndrome. Identifiers: Orphanet 140162, MedGen C0027672, MeSH D009386, MONDO:0015356.

Allele frequency attached by ClinVar (database versions not stated): gnomAD exomes below 0.00001; TOPMed below 0.00001; gnomAD 0.00001.
gnomAD v4.1: 3 of 1,613,250 alleles (0.00019%); highest among the groups gnomAD compares: East Asian, 0.0067%; no homozygotes.

Submissions (5):

Labcorp Genetics (formerly Invitae), Labcorp
Classification: Likely benign for Familial cancer of breast; Fanconi anemia complementation group J. Last evaluated: 2025-02-17. Review status: criteria provided, single submitter. Criteria: Invitae Variant Classification Sherloc (09022015). Collection method: clinical testing. Allele origin: germline.

Myriad Genetics, Inc.
Classification: Benign for Familial cancer of breast. Last evaluated: 2024-09-10. Review status: criteria provided, single submitter. Criteria: Myriad Autosomal Dominant, Autosomal Recessive and X-Linked Classification Criteria (2023). Collection method: clinical testing. Allele origin: unknown.
Comment: This variant is considered benign. This variant is a silent/synonymous amino acid change and it is not expected to impact splicing.

Ambry Genetics
Classification: Likely benign for Hereditary cancer-predisposing syndrome. Last evaluated: 2021-09-22. Review status: criteria provided, single submitter. Criteria: Ambry Variant Classification Scheme 2023. Collection method: clinical testing. Allele origin: germline.

Fulgent Genetics
Classification: Likely benign for Familial cancer of breast; Fanconi anemia complementation group J. Last evaluated: 2021-07-14. Review status: criteria provided, single submitter. Criteria: ACMG Guidelines, 2015. Collection method: clinical testing. Allele origin: unknown.

Leiden Open Variation Database
Classification: Uncertain significance. Last evaluated: 2019-08-13. Review status: no assertion criteria provided. Collection method: curation. Allele origin: germline. Affected: yes. Not counted in ClinVar's aggregate classification.
Comment: Curator: Arleen D. Auerbach. Submitter to LOVD: Yukihide Momozawa.

Literature cited by the submitters: PubMed 31214711 (cited by Leiden Open Variation Database).